The following is an entry in ClinVar:

NM_018646.6(TRPV6):c.1937G>A (p.Arg646Gln)

Gene: TRPV6 (transient receptor potential cation channel subfamily V member 6; minus strand). Cytogenetic location: 7q34.
Variant type: single nucleotide variant.
Coding change: c.1937G>A on transcript NM_018646.6 (MANE Select); coding-DNA position 1937, G replaced by A.
Protein change: p.Arg646Gln; replaces arginine 646 with glutamine.
Molecular consequence: missense variant.
Genome position (GRCh38, 1-based): chr7:142,872,450, C>T on the plus strand (G>A on the coding strand, the complement: TRPV6 is on the minus strand). VCF-style: chr7-142872450-C-T. GRCh37 (hg19) VCF-style: chr7-142570203-C-T.
Other names: short protein forms R646Q.
Identifiers: ClinVar variation 3628108 (VCV003628108.3).

ClinVar aggregate classification (germline): Uncertain significance. Review status: criteria provided, multiple submitters, no conflicts (2 of 4 stars). 2 submissions from 2 submitters: Uncertain significance (2). Last evaluated 2025-04-29.

gnomAD v4.1: 45 of 1,613,972 alleles (0.0028%); highest among the groups gnomAD compares: Middle Eastern, 0.033%; no homozygotes.

Submissions (2):

Labcorp Genetics (formerly Invitae), Labcorp
Classification: Uncertain significance. Last evaluated: 2025-04-29. Review status: criteria provided, single submitter. Criteria: Invitae Variant Classification Sherloc (09022015). Collection method: clinical testing. Allele origin: germline.
Comment: This sequence change replaces arginine, which is basic and polar, with glutamine, which is neutral and polar, at codon 646 of the TRPV6 protein (p.Arg646Gln). This variant is present in population databases (rs751323691, gnomAD 0.01%). This missense change has been observed in individual(s) with hyperparathyroidism (PMID: 37810884). ClinVar contains an entry for this variant (Variation ID: 3628108). Experimental studies and prediction algorithms are not available or were not evaluated, and the functional significance of this variant is currently unknown. In summary, the available evidence is currently insufficient to determine the role of this variant in disease. Therefore, it has been classified as a Variant of Uncertain Significance.

Blueprint Genetics
Classification: Uncertain significance. Last evaluated: 2023-08-07. Review status: criteria provided, single submitter. Criteria: ACMG Guidelines, 2015. Collection method: clinical testing. Allele origin: germline.

Literature cited by the submitters: PubMed 37810884 (cited by Labcorp Genetics (formerly Invitae), Labcorp).